The following is an entry in ClinVar:

ClinVar aggregate classification (germline): Pathogenic (1 of 4 stars; one submission).

Conditions:
Ichthyosis linearis circumflexa. Identifiers: MedGen C0265962, MONDO:0043106, HP:0025810.

Allele frequency attached by ClinVar (database versions not stated): gnomAD exomes below 0.00001.

Submission:

Labcorp Genetics (formerly Invitae), Labcorp
Classification: Pathogenic for Ichthyosis linearis circumflexa. Last evaluated: 2022-12-20. Review status: criteria provided, single submitter. Criteria: Invitae Variant Classification Sherloc (09022015). Collection method: clinical testing. Allele origin: germline.
Comment: This variant has not been reported in the literature in individuals affected with SPINK5-related conditions. For these reasons, this variant has been classified as Pathogenic. This variant is not present in population databases (gnomAD no frequency). This sequence change creates a premature translational stop signal (p.Val160Tyrfs*43) in the SPINK5 gene. It is expected to result in an absent or disrupted protein product. Loss-of-function variants in SPINK5 are known to be pathogenic (PMID: 11511292, 11841556).

Literature cited by the submitters: PubMed 11511292; PubMed 11841556.

NM_006846.4(SPINK5):c.478del (p.Val160fs)

Gene: SPINK5 (serine peptidase inhibitor Kazal type 5; plus strand). Cytogenetic location: 5q32.
Variant type: Deletion.
Coding change: c.478del on transcript NM_006846.4 (MANE Select); coding-DNA position 478, one base deleted (G; older notation c.478delG).
Protein change: p.Val160fs; shifts the reading frame from valine 160.
Molecular consequence: frameshift variant.
Genome position (GRCh38, 1-based): chr5:148,089,497, G deleted. VCF-style (leftmost placement, unchanged base first): chr5-148089496-TG-T. GRCh37 (hg19) VCF-style: chr5-147469059-TG-T.
Other names: c.478del, p.Val160fs (NM_001127698.2, NM_001127699.2); short protein forms V160fs.
Identifiers: ClinVar variation 2808272 (VCV002808272.3), dbSNP rs2531690264, ClinGen allele CA2675854516.